The following is an entry in ClinVar:

ClinVar aggregate classification (germline): Uncertain significance. Review status: criteria provided, multiple submitters, no conflicts (2 of 4 stars). 3 submissions from 3 submitters: Uncertain significance (3). Last evaluated 2026-01-01.

Conditions:
Inborn genetic diseases. Identifiers: MedGen C0950123, MeSH D030342.
Pitt-Hopkins-like syndrome 2 (PTHSL2). Identifiers: Orphanet 221150, Orphanet 600663, MedGen C3280479, MONDO:0013690, OMIM 614325.

Allele frequency attached by ClinVar (database versions not stated): gnomAD 0.00001; gnomAD exomes 0.00001; TOPMed 0.00001.
gnomAD v4.1: 17 of 1,612,910 alleles (0.0011%); highest among the groups gnomAD compares: Middle Eastern, 0.033%; no homozygotes.

Submissions (3):

CeGaT Center for Human Genetics Tuebingen
Classification: Uncertain significance. Last evaluated: 2026-01-01. Review status: criteria provided, single submitter. Criteria: CeGaT Center For Human Genetics Tuebingen Variant Classification Criteria Version 2. Collection method: clinical testing. Allele origin: germline. Affected: yes. Observed: 1 variant allele.
Comment: NRXN1: PM2, PP3

Ambry Genetics
Classification: Uncertain significance for Inborn genetic diseases. Last evaluated: 2023-12-20. Review status: criteria provided, single submitter. Criteria: Ambry Variant Classification Scheme 2023. Collection method: clinical testing. Allele origin: germline.

Labcorp Genetics (formerly Invitae), Labcorp
Classification: Uncertain significance for Pitt-Hopkins-like syndrome 2. Last evaluated: 2023-07-13. Review status: criteria provided, single submitter. Criteria: Invitae Variant Classification Sherloc (09022015). Collection method: clinical testing. Allele origin: germline.
Comment: This variant has not been reported in the literature in individuals affected with NRXN1-related conditions. This sequence change replaces proline, which is neutral and non-polar, with alanine, which is neutral and non-polar, at codon 160 of the NRXN1 protein (p.Pro160Ala). This variant is present in population databases (no rsID available, gnomAD 0.003%). An algorithm developed to predict the effect of missense changes on protein structure and function (PolyPhen-2) suggests that this variant is likely to be tolerated. In summary, the available evidence is currently insufficient to determine the role of this variant in disease. Therefore, it has been classified as a Variant of Uncertain Significance.

NM_001330078.2(NRXN1):c.478C>G (p.Pro160Ala)

Gene: NRXN1 (neurexin 1; minus strand). Cytogenetic location: 2p16.3.
Variant type: single nucleotide variant.
Coding change: c.478C>G on transcript NM_001330078.2 (MANE Select); coding-DNA position 478, C replaced by G.
Protein change: p.Pro160Ala; replaces proline 160 with alanine.
Molecular consequence: missense variant.
Genome position (GRCh38, 1-based): chr2:51,027,796, G>C on the plus strand (C>G on the coding strand, the complement: NRXN1 is on the minus strand). VCF-style: chr2-51027796-G-C. GRCh37 (hg19) VCF-style: chr2-51254934-G-C.
Other names: c.478C>G (NM_001135659.1); c.478C>G, p.Pro160Ala (NM_001135659.3, NM_001330077.2, NM_001330079.2 and 15 more transcripts); short protein forms P160A.
Identifiers: ClinVar variation 2738815 (VCV002738815.8), dbSNP rs1344743982, ClinGen allele CA346823916.